The following is an entry in ClinVar:

NM_024101.7(MLPH):c.1105-1051A>G

Gene: MLPH (melanophilin; plus strand). Cytogenetic location: 2q37.3.
Variant type: single nucleotide variant.
Coding change: c.1105-1051A>G on transcript NM_024101.7 (MANE Select); 1051 bases into the intron before coding-DNA position 1105, A replaced by G.
Molecular consequence: intron variant.
Genome position (GRCh38, 1-based): chr2:237,539,297, A>G. VCF-style: chr2-237539297-A-G. GRCh37 (hg19) VCF-style: chr2-238447940-A-G.
Other names: c.676-1051A>G (NM_001281474.2); c.1021-1051A>G (NM_001042467.3); c.901-1051A>G (NM_001281473.2).
Identifiers: ClinVar variation 1261737 (VCV001261737.2), dbSNP rs13426236, ClinGen allele CA11245046.

ClinVar aggregate classification (germline): Benign (1 of 4 stars; one submission).

Allele frequency attached by ClinVar (database versions not stated): gnomAD 0.31455 and 0.31675; TOPMed 0.32739; 1000 Genomes Project 0.37600; 1000 Genomes Project 30x 0.37758.
gnomAD v4.1: 48,012 of 152,096 alleles (32%); highest among the groups gnomAD compares: African/African-American, 45%; 8,299 homozygotes.

Submission:

GeneDx
Classification: Benign. Last evaluated: 2020-02-18. Review status: criteria provided, single submitter. Criteria: GeneDx Variant Classification Process June 2021. Collection method: clinical testing. Allele origin: germline. Affected: yes.
Comment: This variant is associated with the following publications: (PMID: 31659808)